The following is an entry in ClinVar:

ClinVar aggregate classification (germline): Uncertain significance (1 of 4 stars; one submission).

Conditions:
SEMA3C-related disorder. Also called: SEMA3C-related condition.

Submission:

PreventionGenetics, part of Exact Sciences
Classification: Uncertain significance for SEMA3C-related condition. Last evaluated: 2025-08-10. Review status: criteria provided, single submitter. Criteria: ACMG Guidelines, 2015. Collection method: clinical testing. Allele origin: germline.
Comment: The SEMA3C c.1466A>G variant is predicted to result in the amino acid substitution p.Glu489Gly. To our knowledge, this variant has not been reported in the literature or in a large population database (gnomAD), indicating this variant is rare. At this time, the clinical significance of this variant is uncertain due to the absence of conclusive functional and genetic evidence.

NM_006379.5(SEMA3C):c.1412A>G (p.Glu471Gly)

Gene: SEMA3C (semaphorin 3C; minus strand). Cytogenetic location: 7q21.11.
Variant type: single nucleotide variant.
Coding change: c.1412A>G on transcript NM_006379.5 (MANE Select); coding-DNA position 1412, A replaced by G.
Protein change: p.Glu471Gly; replaces glutamic acid 471 with glycine.
Molecular consequence: missense variant.
Genome position (GRCh38, 1-based): chr7:80,765,186, T>C on the plus strand (A>G on the coding strand, the complement: SEMA3C is on the minus strand). VCF-style: chr7-80765186-T-C. GRCh37 (hg19) VCF-style: chr7-80394502-T-C.
Other names: c.1466A>G, p.Glu489Gly (NM_001350120.2); c.1238A>G, p.Glu413Gly (NM_001350121.2); short protein forms E489G, E413G, E471G.
Identifiers: ClinVar variation 5002387 (VCV005002387.1).
Genomic context (GRCh38, chr7:80,765,186, plus strand): 5'-TCTGAGATTAATAGAAGAGATGTTCAAACCTTAAAGACTTCCAGCTCCTCCAGAATGAGC[T>C]CGCCACTGACAGAGTTGTTAGTAGGAAGAACAACCACTTTTTGCACAGTACCCCGATCTA-3'
Protein context (NP_006370.1, residues 461-481): VLPTNNSVSG[Glu471Gly]LILEELEVFK